The following is an entry in ClinVar:

ClinVar aggregate classification (germline): Uncertain significance (1 of 4 stars; one submission).

Conditions:
Aortic aneurysm, familial thoracic 4 (AAT4). Also called: AORTIC ANEURYSM/AORTIC DISSECTION AND PATENT DUCTUS ARTERIOSUS. Identifiers: MedGen C1851504, MONDO:0007568, OMIM 132900.

Allele frequency attached by ClinVar (database versions not stated): gnomAD exomes below 0.00001.

Submission:

Labcorp Genetics (formerly Invitae), Labcorp
Classification: Uncertain significance for Aortic aneurysm, familial thoracic 4. Last evaluated: 2022-05-30. Review status: criteria provided, single submitter. Criteria: Invitae Variant Classification Sherloc (09022015). Collection method: clinical testing. Allele origin: germline.
Comment: This sequence change replaces methionine, which is neutral and non-polar, with valine, which is neutral and non-polar, at codon 165 of the MYH11 protein (p.Met165Val). This variant is not present in population databases (gnomAD no frequency). This variant has not been reported in the literature in individuals affected with MYH11-related conditions. Algorithms developed to predict the effect of missense changes on protein structure and function are either unavailable or do not agree on the potential impact of this missense change (SIFT: "Deleterious"; PolyPhen-2: "Benign"; Align-GVGD: "Class C0"). In summary, the available evidence is currently insufficient to determine the role of this variant in disease. Therefore, it has been classified as a Variant of Uncertain Significance.

NM_002474.3(MYH11):c.493A>G (p.Met165Val)

Gene: MYH11 (myosin heavy chain 11; minus strand). Cytogenetic location: 16p13.11.
Variant type: single nucleotide variant.
Coding change: c.493A>G on transcript NM_002474.3 (MANE Select); coding-DNA position 493, A replaced by G.
Protein change: p.Met165Val; replaces methionine 165 with valine.
Molecular consequence: missense variant.
Genome position (GRCh38, 1-based): chr16:15,823,264, T>C on the plus strand (A>G on the coding strand, the complement: MYH11 is on the minus strand). VCF-style: chr16-15823264-T-C. GRCh37 (hg19) VCF-style: chr16-15917121-T-C.
Other names: c.493A>G, p.Met165Val (NM_001040113.2, NM_001040114.2, NM_022844.3); short protein forms M165V.
Identifiers: ClinVar variation 1996934 (VCV001996934.4), dbSNP rs2506952560, ClinGen allele CA394882270.